The following is an entry in ClinVar:

ClinVar aggregate classification (germline): Uncertain significance. Review status: criteria provided, multiple submitters, no conflicts (2 of 4 stars). 2 submissions from 2 submitters: Uncertain significance (2). Last evaluated 2024-08-31.

Submissions (2):

Labcorp Genetics (formerly Invitae), Labcorp
Classification: Uncertain significance. Last evaluated: 2024-08-31. Review status: criteria provided, single submitter. Criteria: Invitae Variant Classification Sherloc (09022015). Collection method: clinical testing. Allele origin: germline.
Comment: This sequence change replaces arginine, which is basic and polar, with proline, which is neutral and non-polar, at codon 677 of the CNGB1 protein (p.Arg677Pro). This variant is not present in population databases (gnomAD no frequency). This variant has not been reported in the literature in individuals affected with CNGB1-related conditions. Invitae Evidence Modeling of protein sequence and biophysical properties (such as structural, functional, and spatial information, amino acid conservation, physicochemical variation, residue mobility, and thermodynamic stability) indicates that this missense variant is expected to disrupt CNGB1 protein function with a positive predictive value of 80%. Algorithms developed to predict the effect of sequence changes on RNA splicing suggest that this variant may create or strengthen a splice site. This variant disrupts the p.Arg677 amino acid residue in CNGB1. Other variant(s) that disrupt this residue have been determined to be pathogenic (PMID: 30902645; internal data). This suggests that this residue is clinically significant, and that variants that disrupt this residue are likely to be disease-causing. In summary, the available evidence is currently insufficient to determine the role of this variant in disease. Therefore, it has been classified as a Variant of Uncertain Significance.

Blueprint Genetics
Classification: Uncertain significance. Last evaluated: 2022-04-09. Review status: criteria provided, single submitter. Criteria: ACMG Guidelines, 2015. Collection method: clinical testing. Allele origin: germline.

Literature cited by the submitters: PubMed 30902645 (cited by Labcorp Genetics (formerly Invitae), Labcorp).

NM_001297.5(CNGB1):c.2030G>C (p.Arg677Pro)

Gene: CNGB1 (cyclic nucleotide gated channel subunit beta 1; minus strand). Cytogenetic location: 16q21.
Variant type: single nucleotide variant.
Coding change: c.2030G>C on transcript NM_001297.5 (MANE Select); coding-DNA position 2030, G replaced by C.
Protein change: p.Arg677Pro; replaces arginine 677 with proline.
Molecular consequence: missense variant.
Genome position (GRCh38, 1-based): chr16:57,917,404, C>G on the plus strand (G>C on the coding strand, the complement: CNGB1 is on the minus strand). VCF-style: chr16-57917404-C-G. GRCh37 (hg19) VCF-style: chr16-57951308-C-G.
Other names: c.2012G>C, p.Arg671Pro (NM_001286130.2); short protein forms R677P, R671P.
Identifiers: ClinVar variation 3657922 (VCV003657922.3).